The following is an entry in ClinVar:

ClinVar aggregate classification (germline): Uncertain significance. Review status: criteria provided, multiple submitters, no conflicts (2 of 4 stars). 2 submissions from 2 submitters: Uncertain significance (2). Last evaluated 2025-12-02.

Conditions:
Coffin-Siris syndrome 1 (CSS1). Also called: Mental retardation, autosomal dominant 12; ARID1B-Related Coffin-Siris Syndrome. Identifiers: Orphanet 1465, MedGen C3281201, MONDO:0007617, OMIM 135900. Disease mechanism: gain of function.

Allele frequency attached by ClinVar (database versions not stated): gnomAD exomes below 0.00001.
gnomAD v4.1: 2 of 1,172,016 alleles (0.00017%); highest among the groups gnomAD compares: Non-Finnish European, 0.00021%; no homozygotes.

Submissions (2):

Dasa
Classification: Uncertain significance for Coffin-Siris syndrome 1. Last evaluated: 2025-12-02. Review status: criteria provided, single submitter. Criteria: DASA Assertion Criteria. Collection method: clinical testing. Allele origin: germline.
Comment: NM_001374828.1(ARID1B):c.1666A>G (p.Met556Val) is a missense variant that results in the substitution of methionine with valine. This variant is rare in population databases. Computational prediction algorithms are consistent with a benign effect. The currently available literature and clinical evidence are not sufficient to establish a definitive association between this variant and the reported condition. Therefore, this variant is classified as a variant of uncertain significance.

Labcorp Genetics (formerly Invitae), Labcorp
Classification: Uncertain significance. Last evaluated: 2022-05-20. Review status: criteria provided, single submitter. Criteria: Invitae Variant Classification Sherloc (09022015). Collection method: clinical testing. Allele origin: germline.
Comment: Algorithms developed to predict the effect of missense changes on protein structure and function (SIFT, PolyPhen-2, Align-GVGD) all suggest that this variant is likely to be tolerated. This variant has not been reported in the literature in individuals affected with ARID1B-related conditions. The frequency data for this variant in the population databases is considered unreliable, as metrics indicate insufficient coverage at this position in the gnomAD database. This sequence change replaces methionine, which is neutral and non-polar, with valine, which is neutral and non-polar, at codon 473 of the ARID1B protein (p.Met473Val). In summary, the available evidence is currently insufficient to determine the role of this variant in disease. Therefore, it has been classified as a Variant of Uncertain Significance.

NM_001374828.1(ARID1B):c.1666A>G (p.Met556Val)

Gene: ARID1B (AT-rich interaction domain 1B; plus strand). Cytogenetic location: 6q25.3.
Variant type: single nucleotide variant.
Coding change: c.1666A>G on transcript NM_001374828.1 (MANE Select); coding-DNA position 1666, A replaced by G.
Protein change: p.Met556Val; replaces methionine 556 with valine.
Molecular consequence: missense variant.
Genome position (GRCh38, 1-based): chr6:156,779,346, A>G. VCF-style: chr6-156779346-A-G. GRCh37 (hg19) VCF-style: chr6-157100480-A-G.
Other names: c.1417A>G, p.Met473Val (NM_001346813.1, NM_020732.3); c.1666A>G, p.Met556Val (NM_001371656.1, NM_001374820.1, NM_017519.3); c.1243A>G, p.Met415Val (NM_175863.2); short protein forms M415V, M473V, M556V.
Identifiers: ClinVar variation 2134807 (VCV002134807.6), dbSNP rs2115003073, ClinGen allele CA366385314.
Genomic context (GRCh38, chr6:156,779,346, plus strand): 5'-CCCCAGTCCCAGGCGGCGGCGGCGGGGGCGGCGGCGGGCGGCCAGCAGGCGGCCGCGGGC[A>G]TGGGCTTGGGCAAGGACATGGGCGCCCAGTACGCCGCTGCCAGCCCGGCCTGGGCGGCCG-3'
Protein context (NP_001361757.1, residues 546-566): AAGGQQAAAG[Met556Val]GLGKDMGAQY